The following is an entry in ClinVar:

ClinVar aggregate classification (germline): Benign. Review status: criteria provided, multiple submitters, no conflicts (2 of 4 stars). 8 submissions from 8 submitters: Benign (6). 2 of the submissions do not count toward it. Last evaluated 2026-02-03.

Conditions:
Hyperaldosteronism, familial, type IV (HALD4). Also called: FH IV; ALDOSTERONISM, PRIMARY, AND HYPERTENSION. Identifiers: Orphanet 642671, MedGen C4310756, MONDO:0014875, OMIM 617027.
Idiopathic generalized epilepsy. Also called: Generalised epilepsy; EIG. Identifiers: MedGen C0270850, MONDO:0005579, OMIM 600669.
Epilepsy, childhood absence, susceptibility to, 6. Identifiers: Orphanet 64280, MedGen C2749872, MONDO:0012763, OMIM 611942.

Allele frequency attached by ClinVar (database versions not stated): 1000 Genomes Project 30x 0.00828; 1000 Genomes Project 0.00839; TOPMed 0.01484; gnomAD 0.01528 and 0.01444; ESP Exome Variant Server 0.01425; ExAC 0.00645.
gnomAD v4.1: 23,704 of 1,546,262 alleles (1.5%); highest among the groups gnomAD compares: Non-Finnish European, 1.7%; 189 homozygotes.

Submissions (8):

Labcorp Genetics (formerly Invitae), Labcorp
Classification: Benign for Idiopathic generalized epilepsy; Hyperaldosteronism, familial, type IV. Last evaluated: 2026-02-03. Review status: criteria provided, single submitter. Criteria: Invitae Variant Classification Sherloc (09022015). Collection method: clinical testing. Allele origin: germline.

Mayo Clinic Laboratories, Mayo Clinic
Classification: Benign. Last evaluated: 2025-08-18. Review status: criteria provided, single submitter. Criteria: ACMG Guidelines, 2015. Collection method: clinical testing. Allele origin: germline. Observed: 1 variant allele.
Comment: BA1, BS2, BP4_moderate

Fulgent Genetics
Classification: Benign for Epilepsy, childhood absence, susceptibility to, 6; Hyperaldosteronism, familial, type IV. Last evaluated: 2022-04-16. Review status: criteria provided, single submitter. Criteria: ACMG Guidelines, 2015. Collection method: clinical testing. Allele origin: unknown.

Athena Diagnostics
Classification: Benign. Last evaluated: 2017-11-10. Review status: criteria provided, single submitter. Criteria: Athena Diagnostics Criteria. Collection method: clinical testing. Allele origin: germline.

Eurofins Ntd Llc (ga)
Classification: Benign. Last evaluated: 2013-07-05. Review status: criteria provided, single submitter. Criteria: EGL Classification Definitions 2015. Collection method: clinical testing. Allele origin: germline. Observed: 1 variant allele, 1 heterozygote.

Breakthrough Genomics
Classification: Benign. Review status: criteria provided, single submitter. Criteria: ACMG Guidelines, 2015. Collection method: not provided. Allele origin: germline. Inheritance: Autosomal dominant inheritance. Affected: yes.

Genome Diagnostics Laboratory, University Medical Center Utrecht
Classification: Likely benign. Review status: no assertion criteria provided. Collection method: clinical testing. Allele origin: germline. Affected: yes. Study: VKGL Data-share Consensus. Not counted in ClinVar's aggregate classification.

Laboratory of Diagnostic Genome Analysis, Leiden University Medical Center (LUMC)
Classification: Likely benign. Review status: no assertion criteria provided. Collection method: clinical testing. Allele origin: germline. Affected: yes. Study: VKGL Data-share Consensus. Not counted in ClinVar's aggregate classification.

Literature cited by the submitters: PubMed 24277868 (cited by Athena Diagnostics).

NM_021098.3(CACNA1H):c.1664C>T (p.Ala555Val)

Gene: CACNA1H (calcium voltage-gated channel subunit alpha1 H; plus strand). Cytogenetic location: 16p13.3.
Variant type: single nucleotide variant.
Coding change: c.1664C>T on transcript NM_021098.3 (MANE Select); coding-DNA position 1664, C replaced by T.
Protein change: p.Ala555Val; replaces alanine 555 with valine.
Molecular consequence: missense variant.
Genome position (GRCh38, 1-based): chr16:1,202,114, C>T. VCF-style: chr16-1202114-C-T. GRCh37 (hg19) VCF-style: chr16-1252114-C-T.
Other names: c.1664C>T, p.Ala555Val (NM_001005407.2); short protein forms A555V.
Identifiers: ClinVar variation 96001 (VCV000096001.22), dbSNP rs9924241, ClinGen allele CA149132.
Genomic context (GRCh38, chr16:1,202,114, plus strand): 5'-GCCCCCGCAGGCCCGGCCCCGAGCCAGGCGCCTGCGACACCAGGCTGGTCCGAGCTGGCG[C>T]GCCCCCCTCGCCACCTTCCCCAGGCCGCGGACCCCCCGACGCAGAGTCTGTGCACAGCAT-3'
Protein context (NP_066921.2, residues 545-565): ACDTRLVRAG[Ala555Val]PPSPPSPGRG